The following is an entry in ClinVar:

ClinVar aggregate classification (germline): Pathogenic. Review status: reviewed by expert panel (3 of 4 stars). 2 submissions from 2 submitters: Pathogenic (1). 1 of the submissions does not count toward it. Last evaluated 2023-08-04.

Conditions:
CDH1-related diffuse gastric and lobular breast cancer syndrome. Also called: CDH1-related diffuse gastric and lobular breast cancer. Identifiers: MedGen CN311521, MONDO:0100488.
Hereditary cancer-predisposing syndrome. Also called: Neoplastic Syndromes, Hereditary; Tumor predisposition; Hereditary Cancer Syndrome; Hereditary neoplastic syndrome. Identifiers: Orphanet 140162, MedGen C0027672, MeSH D009386, MONDO:0015356.

Submissions (2):

Clingen Gastric Cancer Variant Curation Expert Panel
Classification: Pathogenic for CDH1-related diffuse gastric and lobular breast cancer syndrome. Last evaluated: 2023-08-04. Review status: reviewed by expert panel. Criteria: ClinGen CDH1 ACMG Specifications V3.1. Collection method: curation. Allele origin: germline. Inheritance: Autosomal dominant inheritance.
Comment: The c.1390delG p.(Val464fs) variant is predicted to result in a premature stop codon that leads to nonsense mediate decay (PVS1 and PM5_supporting). The variant is absent in the gnomAD cohort (PM2_supporting). Therefore, this variant meets criteria to be classified as pathogenic based on the ACMG/AMP criteria applied as specified by the CDH1 Variant Curation Expert Panel (CDH1 VCEP specifications version 3.1): PVS1, PM2_supporting, PM5_supporting.

Ambry Genetics
Classification: Pathogenic for Hereditary cancer-predisposing syndrome. Last evaluated: 2017-08-02. Review status: criteria provided, single submitter. Criteria: Ambry Variant Classification Scheme 2023. Collection method: clinical testing. Allele origin: germline. Not counted in ClinVar's aggregate classification.
Comment: The c.1390delG pathogenic mutation, located in coding exon 10 of the CDH1 gene, results from a deletion of one nucleotide at nucleotide position 1390, causing a translational frameshift with a predicted alternate stop codon (p.V464Sfs*17). This alteration is expected to result in loss of function by premature protein truncation or nonsense-mediated mRNA decay. As such, this alteration is interpreted as a disease-causing mutation.

NM_004360.5(CDH1):c.1390del (p.Val464fs)

Gene: CDH1 (cadherin 1; plus strand). Cytogenetic location: 16q22.1.
Variant type: Deletion.
Coding change: c.1390del on transcript NM_004360.5 (MANE Select); coding-DNA position 1390, one base deleted (G; older notation c.1390delG).
Protein change: p.Val464fs; shifts the reading frame from valine 464.
Molecular consequence: frameshift variant. On other transcripts: 5 prime UTR variant (2).
Genome position (GRCh38, 1-based): chr16:68,815,584, G deleted; the last of 2 consecutive G bases (chr16:68,815,583-68,815,584); deleting either gives the same sequence. VCF-style (leftmost placement, unchanged base first): chr16-68815582-AG-A. GRCh37 (hg19) VCF-style: chr16-68849485-AG-A.
Other names: c.1207del, p.Val403fs (NM_001317184.2); c.-159del (NM_001317185.2); c.-430del (NM_001317186.2); c.1390del (LRG_301t1); short protein forms V403fs, V464fs.
Identifiers: ClinVar variation 483271 (VCV000483271.7), dbSNP rs1555516111, ClinGen allele CA658658488.